The following is an entry in ClinVar:

ClinVar aggregate classification (germline): Uncertain significance (1 of 4 stars; one submission).

Conditions:
Autosomal recessive limb-girdle muscular dystrophy type 2J (LGMDR10). Also called: Limb-girdle muscular dystrophy, type 2J; MUSCULAR DYSTROPHY, LIMB-GIRDLE, AUTOSOMAL RECESSIVE 10. Identifiers: Orphanet 140922, MedGen C1837342, MONDO:0012127, OMIM 608807.
Dilated cardiomyopathy 1G (CMD1G). Identifiers: Orphanet 154, MedGen C1858763, MONDO:0011400, OMIM 604145.

Submission:

Labcorp Genetics (formerly Invitae), Labcorp
Classification: Uncertain significance for Dilated cardiomyopathy 1G; Autosomal recessive limb-girdle muscular dystrophy type 2J. Last evaluated: 2022-08-28. Review status: criteria provided, single submitter. Criteria: Invitae Variant Classification Sherloc (09022015). Collection method: clinical testing. Allele origin: germline.
Comment: This sequence change replaces glutamic acid, which is acidic and polar, with lysine, which is basic and polar, at codon 35715 of the TTN protein (p.Glu35715Lys). This variant is not present in population databases (gnomAD no frequency). This variant has not been reported in the literature in individuals affected with TTN-related conditions. Experimental studies and prediction algorithms are not available or were not evaluated, and the functional significance of this variant is currently unknown. In summary, the available evidence is currently insufficient to determine the role of this variant in disease. Therefore, it has been classified as a Variant of Uncertain Significance. This variant is located in the M band of TTN (PMID: 25589632). Variants in this region may be relevant for neuromuscular disorders, but have not been definitively shown to cause cardiomyopathy (PMID: 23975875).

Literature cited by the submitters: PubMed 25589632; PubMed 23975875.

NM_001267550.2(TTN):c.107143G>A (p.Glu35715Lys)

Genes: TTN-AS1 (TTN antisense RNA 1; plus strand), TTN (titin; minus strand). Cytogenetic location: 2q31.2.
Variant type: single nucleotide variant.
Coding change: c.107143G>A on transcript NM_001267550.2 (MANE Select); coding-DNA position 107143, G replaced by A.
Protein change: p.Glu35715Lys; replaces glutamic acid 35715 with lysine.
Molecular consequence: missense variant.
Genome position (GRCh38, 1-based): chr2:178,528,608, C>T on the plus strand (G>A on the coding strand, the complement: TTN is on the minus strand). VCF-style: chr2-178528608-C-T. GRCh37 (hg19) VCF-style: chr2-179393335-C-T.
Other names: c.102220G>A, p.Glu34074Lys (NM_001256850.1); c.79948G>A, p.Glu26650Lys (NM_003319.4); c.99439G>A, p.Glu33147Lys (NM_133378.4); c.80323G>A, p.Glu26775Lys (NM_133432.3); c.80524G>A, p.Glu26842Lys (NM_133437.4); short protein forms E33147K, E26650K, E26842K, E26775K, E34074K, E35715K.
Identifiers: ClinVar variation 1925015 (VCV001925015.5), dbSNP rs2468294704, ClinGen allele CA349401778.